The following is an entry in ClinVar:

ClinVar aggregate classification (germline): Pathogenic (1 of 4 stars; one submission).

Submission:

Labcorp Genetics (formerly Invitae), Labcorp
Classification: Pathogenic. Last evaluated: 2022-11-01. Review status: criteria provided, single submitter. Criteria: Invitae Variant Classification Sherloc (09022015). Collection method: clinical testing. Allele origin: germline.
Comment: This sequence change creates a premature translational stop signal (p.Gln35Asnfs*5) in the ACAN gene. It is expected to result in an absent or disrupted protein product. Loss-of-function variants in ACAN are known to be pathogenic (PMID: 16080123, 24762113). This variant is not present in population databases (gnomAD no frequency). For these reasons, this variant has been classified as Pathogenic. This variant has not been reported in the literature in individuals affected with ACAN-related conditions.

Literature cited by the submitters: PubMed 16080123; PubMed 24762113.

NM_001369268.1(ACAN):c.103del (p.Gln35fs)

Gene: ACAN (aggrecan; plus strand). Cytogenetic location: 15q26.1.
Variant type: Deletion.
Coding change: c.103del on transcript NM_001369268.1 (MANE Select); coding-DNA position 103, one base deleted (C; older notation c.103delC).
Protein change: p.Gln35fs; shifts the reading frame from glutamine 35.
Molecular consequence: frameshift variant.
Genome position (GRCh38, 1-based): chr15:88,838,695, C deleted; the last of 5 consecutive C bases (chr15:88,838,691-88,838,695); deleting any one gives the same sequence. VCF-style (leftmost placement, unchanged base first): chr15-88838690-TC-T. GRCh37 (hg19) VCF-style: chr15-89381921-TC-T.
Other names: c.103del, p.Gln35fs (NM_001135.4, NM_013227.4); c.103delC, p.Gln35Asnfs (NM_001411096.1, NM_001411097.1); short protein forms Q35fs.
Identifiers: ClinVar variation 2068482 (VCV002068482.4), dbSNP rs2505220763, ClinGen allele CA2575825921.
Genomic context (GRCh38, chr15:88,838,690, plus strand): 5'-AGGTCTCTCTTCTACCCCACCTCTCCCACACAGACCATGACAACTCGCTGAGTGTCAGCA[TC>T]CCCCAACCGTCCCCGCTGAGGGTCCTCCTGGGGACCTCCCTCACCATCCCCTGCTATTTC-3'